The following is an entry in ClinVar:

ClinVar aggregate classification (germline): Likely benign (1 of 4 stars; one submission).

Conditions:
COL18A1-related disorder. Also called: COL18A1-related disorders; COL18A1-related condition.

Submission:

PreventionGenetics, part of Exact Sciences
Classification: Likely benign for COL18A1-related condition. Last evaluated: 2019-10-16. Review status: criteria provided, single submitter. Criteria: ACMG Guidelines, 2015. Collection method: clinical testing. Allele origin: germline.
Comment: This variant is classified as likely benign based on ACMG/AMP sequence variant interpretation guidelines (Richards et al. 2015 PMID: 25741868, with internal and published modifications).

NM_001379500.1(COL18A1):c.3066_3074del (p.Thr1023_Gly1025del)

Genes: COL18A1 (collagen type XVIII alpha 1 chain; plus strand), SLC19A1 (solute carrier family 19 member 1; minus strand). Cytogenetic location: 21q22.3.
Variant type: Deletion.
Coding change: c.3066_3074del on transcript NM_001379500.1 (MANE Select); coding-DNA positions 3066 to 3074, 9 bases deleted (AACCATGGG; older notation c.3066_3074delAACCATGGG).
Protein change: p.Thr1023_Gly1025del.
Genome position (GRCh38, 1-based): chr21:45,505,410-45,505,418, AACCATGGG deleted; deleting any 9 consecutive bases within chr21:45,505,408-45,505,418 gives the same sequence; the c. name uses the placement nearest the transcript's 3' end. VCF-style (leftmost placement, unchanged base first): chr21-45505407-TGGAACCATG-T. GRCh37 (hg19) VCF-style: chr21-46925321-TGGAACCATG-T.
Other names: c.3597_3605del, p.Thr1200_Gly1202del (NM_030582.4); c.4302_4310del, p.Thr1435_Gly1437del (NM_130444.3).
Identifiers: ClinVar variation 3052767 (VCV003052767.1), dbSNP rs2517795089, ClinGen allele CA2740094757.